The following is an entry in ClinVar:

NM_001040142.2(SCN2A):c.2057G>A (p.Ser686Asn)

Gene: SCN2A (sodium voltage-gated channel alpha subunit 2; plus strand). Cytogenetic location: 2q24.3.
Variant type: single nucleotide variant.
Coding change: c.2057G>A on transcript NM_001040142.2 (MANE Select); coding-DNA position 2057, G replaced by A.
Protein change: p.Ser686Asn; replaces serine 686 with asparagine.
Molecular consequence: missense variant.
Genome position (GRCh38, 1-based): chr2:165,326,892, G>A. VCF-style: chr2-165326892-G-A. GRCh37 (hg19) VCF-style: chr2-166183402-G-A.
Other names: c.2057G>A, p.Ser686Asn (NM_001040143.2, NM_001371246.1, NM_001371247.1 and 1 more transcripts); short protein forms S686N.
Identifiers: ClinVar variation 2109460 (VCV002109460.4), dbSNP rs796053190, ClinGen allele CA349029213.

ClinVar aggregate classification (germline): Uncertain significance (1 of 4 stars; one submission).

Conditions:
Seizures, benign familial infantile, 3 (BFIS3). Also called: Familial neonatal seizures; CONVULSIONS, BENIGN FAMILIAL INFANTILE, 3. Identifiers: Orphanet 140927, Orphanet 306, MedGen C1843140, MONDO:0011904, OMIM 607745.
Developmental and epileptic encephalopathy, 11 (DEE11). Also called: Early infantile epileptic encephalopathy 11. Identifiers: Orphanet 1934, MedGen C3150987, MONDO:0013388, OMIM 613721.

Submission:

Labcorp Genetics (formerly Invitae), Labcorp
Classification: Uncertain significance for Seizures, benign familial infantile, 3; Developmental and epileptic encephalopathy, 11. Last evaluated: 2022-08-19. Review status: criteria provided, single submitter. Criteria: Invitae Variant Classification Sherloc (09022015). Collection method: clinical testing. Allele origin: germline.
Comment: In summary, the available evidence is currently insufficient to determine the role of this variant in disease. Therefore, it has been classified as a Variant of Uncertain Significance. Algorithms developed to predict the effect of missense changes on protein structure and function are either unavailable or do not agree on the potential impact of this missense change (SIFT: "Deleterious"; PolyPhen-2: "Probably Damaging"; Align-GVGD: "Class C0"). This variant has not been reported in the literature in individuals affected with SCN2A-related conditions. This variant is not present in population databases (gnomAD no frequency). This sequence change replaces serine, which is neutral and polar, with asparagine, which is neutral and polar, at codon 686 of the SCN2A protein (p.Ser686Asn).